The following is an entry in ClinVar:

ClinVar aggregate classification (germline): Likely benign. Review status: criteria provided, multiple submitters, no conflicts (2 of 4 stars). 3 submissions from 3 submitters: Likely benign (2). 1 of the submissions does not count toward it. Last evaluated 2026-03-01.

Conditions:
DYRK1B-related disorder. Also called: DYRK1B-related condition.

Allele frequency attached by ClinVar (database versions not stated): gnomAD 0.00005; gnomAD exomes 0.00006; TOPMed 0.00006; ESP Exome Variant Server 0.00008; ExAC 0.00011.
gnomAD v4.1: 89 of 1,602,872 alleles (0.0056%); highest among the groups gnomAD compares: Admixed American, 0.014%; no homozygotes.

Submissions (3):

CeGaT Center for Human Genetics Tuebingen
Classification: Likely benign. Last evaluated: 2026-03-01. Review status: criteria provided, single submitter. Criteria: CeGaT Center For Human Genetics Tuebingen Variant Classification Criteria Version 2. Collection method: clinical testing. Allele origin: germline. Affected: yes. Observed: 1 variant allele.
Comment: DYRK1B: BP4, BP7

Labcorp Genetics (formerly Invitae), Labcorp
Classification: Likely benign. Last evaluated: 2025-12-15. Review status: criteria provided, single submitter. Criteria: Invitae Variant Classification Sherloc (09022015). Collection method: clinical testing. Allele origin: germline.

PreventionGenetics, part of Exact Sciences
Classification: Likely benign for DYRK1B-related condition. Last evaluated: 2022-05-06. Review status: no assertion criteria provided. Collection method: clinical testing. Allele origin: germline. Not counted in ClinVar's aggregate classification.
Comment: This variant is classified as likely benign based on ACMG/AMP sequence variant interpretation guidelines (Richards et al. 2015 PMID: 25741868, with internal and published modifications).

NM_004714.3(DYRK1B):c.1359G>A (p.Ala453=)

Gene: DYRK1B (dual specificity tyrosine phosphorylation regulated kinase 1B; minus strand). Cytogenetic location: 19q13.2.
Variant type: single nucleotide variant.
Coding change: c.1359G>A on transcript NM_004714.3 (MANE Select); coding-DNA position 1359, G replaced by A.
Protein change: p.Ala453=; no amino-acid change (alanine 453 retained).
Molecular consequence: synonymous variant.
Genome position (GRCh38, 1-based): chr19:39,826,724, C>T on the plus strand (G>A on the coding strand, the complement: DYRK1B is on the minus strand). VCF-style: chr19-39826724-C-T. GRCh37 (hg19) VCF-style: chr19-40317364-C-T.
Other names: c.1239G>A, p.Ala413= (NM_006483.3); c.1275G>A, p.Ala425= (NM_006484.3); c.1359G>A (NM_004714.2).
Identifiers: ClinVar variation 2198285 (VCV002198285.10), dbSNP rs373037030, ClinGen allele CA9434073.